The following is an entry in ClinVar:

NM_000516.7(GNAS):c.699G>A (p.Lys233=)

Gene: GNAS (GNAS complex locus; plus strand). Cytogenetic location: 20q13.32.
Variant type: single nucleotide variant.
Coding change: c.699G>A on transcript NM_000516.7 (MANE Select); coding-DNA position 699, G replaced by A.
Protein change: p.Lys233=; no amino-acid change (lysine 233 retained).
Molecular consequence: synonymous variant. On other transcripts: 3 prime UTR variant (2).
Genome position (GRCh38, 1-based): chr20:58,909,560, G>A. VCF-style: chr20-58909560-G-A. GRCh37 (hg19) VCF-style: chr20-57484615-G-A.
Other names: c.699G>A (NM_000516.5); c.702G>A, p.Lys234= (NM_001077488.5); c.654G>A, p.Lys218= (NM_001077489.4); c.*560G>A (NM_001077490.3); c.522G>A, p.Lys174= (NM_001309840.2, NM_001309861.2); c.603G>A, p.Lys201= (NM_001410912.1); c.2583G>A, p.Lys861= (NM_001410913.1); c.*605G>A (NM_016592.5); and 2 more.
Identifiers: ClinVar variation 2183479 (VCV002183479.6), dbSNP rs780331721, ClinGen allele CA9927198.
Genomic context (GRCh38, chr20:58,909,560, plus strand): 5'-AGCTGTCCTCCTCCCCACCAGCATGTTTGACGTGGGTGGCCAGCGCGATGAACGCCGCAA[G>A]TGGATCCAGTGCTTCAACGGTAGGATGCTGTGGGCTTGGCTGTTCGTAAAGAACGCTTTG-3'
Protein context (NP_000507.1, residues 223-243): DVGGQRDERR[Lys233=]WIQCFNDVTA

ClinVar aggregate classification (germline): Benign. Review status: criteria provided, single submitter (1 of 4 stars). 2 submissions from 2 submitters: Benign (1). 1 of the submissions does not count toward it. Last evaluated 2026-01-03.

Conditions:
GNAS-related disorder. Identifiers: MedGen CN380105.

Allele frequency attached by ClinVar (database versions not stated): gnomAD 0.00001; gnomAD exomes 0.00005; TOPMed 0.00005; ExAC 0.00012.
gnomAD v4.1: 33 of 1,614,104 alleles (0.002%); highest among the groups gnomAD compares: Admixed American, 0.055%; no homozygotes.

Submissions (2):

Labcorp Genetics (formerly Invitae), Labcorp
Classification: Benign. Last evaluated: 2026-01-03. Review status: criteria provided, single submitter. Criteria: Invitae Variant Classification Sherloc (09022015). Collection method: clinical testing. Allele origin: germline.

PreventionGenetics, part of Exact Sciences
Classification: Likely benign for GNAS-related condition. Last evaluated: 2019-10-17. Review status: no assertion criteria provided. Collection method: clinical testing. Allele origin: germline. Not counted in ClinVar's aggregate classification.
Comment: This variant is classified as likely benign based on ACMG/AMP sequence variant interpretation guidelines (Richards et al. 2015 PMID: 25741868, with internal and published modifications).